The following is an entry in ClinVar:

NM_001018116.2(CAVIN4):c.-10A>T

Gene: CAVIN4 (caveolae associated protein 4; plus strand). Cytogenetic location: 9q31.1.
Variant type: single nucleotide variant.
Coding change: c.-10A>T on transcript NM_001018116.2 (MANE Select); 10 bases upstream of the start codon, A replaced by T.
Molecular consequence: 5 prime UTR variant.
Genome position (GRCh38, 1-based): chr9:100,578,134, A>T. VCF-style: chr9-100578134-A-T. GRCh37 (hg19) VCF-style: chr9-103340416-A-T.
Identifiers: ClinVar variation 228862 (VCV000228862.4), dbSNP rs369755712, ClinGen allele CA5159966.
Genomic context (GRCh38, chr9:100,578,134, plus strand): 5'-AAGCTGACTTTTTGCTCCAAGTGCCAGAATTGATTGTGGTTAGGACATCTTACGCTGAGA[A>T]ATAAATAAAATGGAACATAATGGGTCTGCTTCAAATGCTGATAAAATCCACCAGAATCGC-3'

ClinVar aggregate classification (germline): Uncertain significance (1 of 4 stars; one submission).

Allele frequency attached by ClinVar (database versions not stated): gnomAD exomes 0.00001 and 0.00004; ExAC 0.00007; ESP Exome Variant Server 0.00008; gnomAD 0.00010 and 0.00011; TOPMed 0.00010; 1000 Genomes Project 0.00020; 1000 Genomes Project 30x 0.00031.
gnomAD v4.1: 27 of 1,613,528 alleles (0.0017%); highest among the groups gnomAD compares: African/African-American, 0.035%; no homozygotes.

Submission:

Laboratory for Molecular Medicine, Mass General Brigham Personalized Medicine
Classification: Uncertain significance. Last evaluated: 2015-12-23. Review status: criteria provided, single submitter. Criteria: LMM Criteria. Collection method: clinical testing. Allele origin: germline. Observed: 1 variant allele.
Comment: The c.-10A>T variant in MURC has not been previously reported in individuals wit h cardiomyopathy, but has been identified in 0.1% (9/10366) of African chromosom es by the Exome Aggregation Consortium (ExAC; db SNP rs369755712). Although this variant is outside of the coding sequence, it re sides in the promoter region upstream of the translation start site and an impac t to transcription cannot be ruled out. In summary, the clinical significance of the c.-10A>T variant is uncertain.